The following is an entry in ClinVar:

ClinVar aggregate classification (germline): Uncertain significance (1 of 4 stars; one submission).

Conditions:
Congenital myasthenic syndrome 5. Identifiers: Orphanet 590, MedGen C1864233, MONDO:0011281, OMIM 603034.

Allele frequency attached by ClinVar (database versions not stated): gnomAD exomes below 0.00001; TOPMed below 0.00001.
gnomAD v4.1: 1 of 1,614,128 alleles (0.000062%); highest among the groups gnomAD compares: Middle Eastern, 0.017%; no homozygotes.

Submission:

Labcorp Genetics (formerly Invitae), Labcorp
Classification: Uncertain significance for Congenital myasthenic syndrome 5. Last evaluated: 2022-05-30. Review status: criteria provided, single submitter. Criteria: Invitae Variant Classification Sherloc (09022015). Collection method: clinical testing. Allele origin: germline.
Comment: This sequence change replaces cysteine, which is neutral and slightly polar, with arginine, which is basic and polar, at codon 440 of the COLQ protein (p.Cys440Arg). This variant is not present in population databases (gnomAD no frequency). This missense change has been observed in individual(s) with clinical features of congenital myasthenic syndromes (PMID: 22678886). Algorithms developed to predict the effect of missense changes on protein structure and function are either unavailable or do not agree on the potential impact of this missense change (SIFT: "Deleterious"; PolyPhen-2: "Not Available"; Align-GVGD: "Class C0"). In summary, the available evidence is currently insufficient to determine the role of this variant in disease. Therefore, it has been classified as a Variant of Uncertain Significance.

Literature cited by the submitters: PubMed 22678886.

NM_005677.4(COLQ):c.1318T>C (p.Cys440Arg)

Gene: COLQ (collagen like tail subunit of asymmetric acetylcholinesterase; minus strand). Cytogenetic location: 3p25.1.
Variant type: single nucleotide variant.
Coding change: c.1318T>C on transcript NM_005677.4 (MANE Select); coding-DNA position 1318, T replaced by C.
Protein change: p.Cys440Arg; replaces cysteine 440 with arginine.
Molecular consequence: missense variant.
Genome position (GRCh38, 1-based): chr3:15,451,694, A>G on the plus strand (T>C on the coding strand, the complement: COLQ is on the minus strand). VCF-style: chr3-15451694-A-G. GRCh37 (hg19) VCF-style: chr3-15493201-A-G.
Other names: c.1288T>C, p.Cys430Arg (NM_080538.2); c.1216T>C, p.Cys406Arg (NM_080539.4); short protein forms C430R, C440R, C406R.
Identifiers: ClinVar variation 2203310 (VCV002203310.4), dbSNP rs1559510028, ClinGen allele CA351595240.